The following is an entry in ClinVar:

ClinVar aggregate classification (germline): Uncertain significance (1 of 4 stars; one submission).

Conditions:
Inborn genetic diseases. Identifiers: MedGen C0950123, MeSH D030342.

Submission:

Ambry Genetics
Classification: Uncertain significance for Inborn genetic diseases. Last evaluated: 2024-03-17. Review status: criteria provided, single submitter. Criteria: Ambry Variant Classification Scheme 2023. Collection method: clinical testing. Allele origin: germline.
Comment: The p.L429F variant (also known as c.1287G>T), located in coding exon 7 of the PIK3CA gene, results from a G to T substitution at nucleotide position 1287. The leucine at codon 429 is replaced by phenylalanine, an amino acid with highly similar properties. This amino acid position is conserved. In addition, the in silico prediction for this alteration is inconclusive. Based on the available evidence, the clinical significance of this alteration remains unclear.

NM_006218.4(PIK3CA):c.1287G>T (p.Leu429Phe)

Gene: PIK3CA (phosphatidylinositol-4,5-bisphosphate 3-kinase catalytic subunit alpha; plus strand). Cytogenetic location: 3q26.32.
Variant type: single nucleotide variant.
Coding change: c.1287G>T on transcript NM_006218.4 (MANE Select); coding-DNA position 1287, G replaced by T.
Protein change: p.Leu429Phe; replaces leucine 429 with phenylalanine.
Molecular consequence: missense variant.
Genome position (GRCh38, 1-based): chr3:179,210,221, G>T. VCF-style: chr3-179210221-G-T. GRCh37 (hg19) VCF-style: chr3-178928009-G-T.
Other names: short protein forms L429F.
Identifiers: ClinVar variation 3306578 (VCV003306578.1).
Genomic context (GRCh38, chr3:179,210,221, plus strand): 5'-TGAATATTTTTCTTTGTTTTTTAAGGAACACTGTCCATTGGCATGGGGAAATATAAACTT[G>T]TTTGATTACACAGACACTCTAGTATCTGGAAAAATGGCTTTGAATCTTTGGCCAGTACCT-3'
Protein context (NP_006209.2, residues 419-439): HCPLAWGNIN[Leu429Phe]FDYTDTLVSG